The following is an entry in ClinVar:

NM_003705.5(SLC25A12):c.209+3A>G

Gene: SLC25A12 (solute carrier family 25 member 12; minus strand). Cytogenetic location: 2q31.1.
Variant type: single nucleotide variant.
Coding change: c.209+3A>G on transcript NM_003705.5 (MANE Select); 3 bases into the intron after coding-DNA position 209, A replaced by G.
Molecular consequence: intron variant.
Genome position (GRCh38, 1-based): chr2:171,868,678, T>C on the plus strand (A>G on the coding strand, the complement: SLC25A12 is on the minus strand). VCF-style: chr2-171868678-T-C. GRCh37 (hg19) VCF-style: chr2-172725188-T-C.
Identifiers: ClinVar variation 1411621 (VCV001411621.3), dbSNP rs1449169785, ClinGen allele CA537819634.

ClinVar aggregate classification (germline): Uncertain significance (1 of 4 stars; one submission).

Allele frequency attached by ClinVar (database versions not stated): gnomAD exomes below 0.00001; TOPMed below 0.00001.
gnomAD v4.1: 2 of 1,613,584 alleles (0.00012%); highest among the groups gnomAD compares: Non-Finnish European, 0.00017%; no homozygotes.

Submission:

Labcorp Genetics (formerly Invitae), Labcorp
Classification: Uncertain significance. Last evaluated: 2021-09-15. Review status: criteria provided, single submitter. Criteria: Invitae Variant Classification Sherloc (09022015). Collection method: clinical testing. Allele origin: germline.
Comment: This sequence change falls in intron 3 of the SLC25A12 gene. It does not directly change the encoded amino acid sequence of the SLC25A12 protein. It affects a nucleotide within the consensus splice site of the intron. This variant is not present in population databases (ExAC no frequency). This variant has not been reported in the literature in individuals affected with SLC25A12-related conditions. Variants that disrupt the consensus splice site are a relatively common cause of aberrant splicing (PMID: 17576681, 9536098). Algorithms developed to predict the effect of sequence changes on RNA splicing suggest that this variant is not likely to affect RNA splicing. In summary, the available evidence is currently insufficient to determine the role of this variant in disease. Therefore, it has been classified as a Variant of Uncertain Significance.

Literature cited by the submitters: PubMed 17576681; PubMed 9536098.